The following is an entry in ClinVar:

ClinVar aggregate classification (germline): Conflicting classifications of pathogenicity. Review status: criteria provided, conflicting classifications (1 of 4 stars). 2 submissions from 2 submitters: Uncertain significance (1); Likely benign (1). Last evaluated 2023-03-23.

Conditions:
Hereditary cancer-predisposing syndrome. Also called: Hereditary neoplastic syndrome; Tumor predisposition; Neoplastic Syndromes, Hereditary; Hereditary Cancer Syndrome. Identifiers: Orphanet 140162, MedGen C0027672, MeSH D009386, MONDO:0015356.
Hereditary breast ovarian cancer syndrome. Also called: Hereditary breast and ovarian cancer; Breast and ovarian cancer; BRCA1- and BRCA2-Associated Hereditary Breast and Ovarian Cancer; Hereditary breast and/or ovarian cancer syndrome; Hereditary breast and ovarian cancer syndrome; Hereditary breast and ovarian cancer syndrome (HBOC). Identifiers: Orphanet 145, MedGen C0677776, MeSH D061325, MONDO:0003582. Disease mechanism: loss of function.

Allele frequency attached by ClinVar (database versions not stated): gnomAD exomes below 0.00001.
gnomAD v4.1: 1 of 1,613,676 alleles (0.000062%); highest among the groups gnomAD compares: Non-Finnish European, 0.000085%; no homozygotes.

Submissions (2):

University of Washington Department of Laboratory Medicine, University of Washington
Classification: Likely benign for Hereditary cancer-predisposing syndrome. Last evaluated: 2023-03-23. Review status: criteria provided, single submitter. Criteria: Dines et al. (Genet Med. 2020). Collection method: curation. Allele origin: germline.
Comment: Missense variant in a coldspot region where missense variants are very unlikely to be pathogenic (PMID:31911673).

BRCA2 exon 11 coldspot. Reclassification based on statistical prior probability.

Labcorp Genetics (formerly Invitae), Labcorp
Classification: Uncertain significance for Hereditary breast ovarian cancer syndrome. Last evaluated: 2021-07-27. Review status: criteria provided, single submitter. Criteria: Invitae Variant Classification Sherloc (09022015). Collection method: clinical testing. Allele origin: germline.
Comment: In summary, the available evidence is currently insufficient to determine the role of this variant in disease. Therefore, it has been classified as a Variant of Uncertain Significance. Advanced modeling of protein sequence and biophysical properties (such as structural, functional, and spatial information, amino acid conservation, physicochemical variation, residue mobility, and thermodynamic stability) performed at Invitae indicates that this missense variant is not expected to disrupt BRCA2 protein function. This variant has not been reported in the literature in individuals with BRCA2-related conditions. This variant is not present in population databases (ExAC no frequency). This sequence change replaces asparagine with histidine at codon 2048 of the BRCA2 protein (p.Asn2048His). The asparagine residue is weakly conserved and there is a small physicochemical difference between asparagine and histidine.

NM_000059.4(BRCA2):c.6142A>C (p.Asn2048His)

Gene: BRCA2 (BRCA2 DNA repair associated; plus strand). Cytogenetic location: 13q13.1.
Variant type: single nucleotide variant.
Coding change: c.6142A>C on transcript NM_000059.4 (MANE Select); coding-DNA position 6142, A replaced by C.
Protein change: p.Asn2048His; replaces asparagine 2048 with histidine.
Molecular consequence: missense variant.
Genome position (GRCh38, 1-based): chr13:32,340,497, A>C. VCF-style: chr13-32340497-A-C. GRCh37 (hg19) VCF-style: chr13-32914634-A-C.
Other names: short protein forms N2048H.
Identifiers: ClinVar variation 1503163 (VCV001503163.9), dbSNP rs1367585890, ClinGen allele CA387788249.